The following is an entry in ClinVar:

ClinVar aggregate classification (germline): Uncertain significance (1 of 4 stars; one submission).

Conditions:
Cardiomyopathy (CMYO). Also called: Cardiomyopathies. Identifiers: Orphanet 167848, MedGen C0878544, MONDO:0004994, HP:0001638. Inheritance: Various modes of inheritance.

Submission:

Color Diagnostics, LLC DBA Color Health
Classification: Uncertain significance for Cardiomyopathy. Last evaluated: 2025-07-28. Review status: criteria provided, single submitter. Criteria: ACMG Guidelines, 2015. Collection method: clinical testing. Allele origin: germline.
Comment: This missense variant replaces arginine with glycine at codon 427 of the DSG2 protein. Computational prediction suggests that this variant may not impact protein structure and function. To our knowledge, functional studies have not been reported for this variant. This variant has not been reported in individuals affected with DSG2-related disorders in the literature. This variant has not been identified in the general population by the Genome Aggregation Database (gnomAD). The available evidence is insufficient to determine the role of this variant in disease conclusively. Therefore, this variant is classified as a Variant of Uncertain Significance.

NM_001943.5(DSG2):c.1279A>G (p.Arg427Gly)

Gene: DSG2 (desmoglein 2; plus strand). Cytogenetic location: 18q12.1.
Variant type: single nucleotide variant.
Coding change: c.1279A>G on transcript NM_001943.5 (MANE Select); coding-DNA position 1279, A replaced by G.
Protein change: p.Arg427Gly; replaces arginine 427 with glycine.
Molecular consequence: missense variant.
Genome position (GRCh38, 1-based): chr18:31,531,251, A>G. VCF-style: chr18-31531251-A-G. GRCh37 (hg19) VCF-style: chr18-29111214-A-G.
Other names: short protein forms R427G.
Identifiers: ClinVar variation 4759030 (VCV004759030.1).